The following is an entry in ClinVar:

NM_017514.5(PLXNA3):c.919G>A (p.Ala307Thr)

Gene: PLXNA3 (plexin A3; plus strand). Cytogenetic location: Xq28.
Variant type: single nucleotide variant.
Coding change: c.919G>A on transcript NM_017514.5 (MANE Select); coding-DNA position 919, G replaced by A.
Protein change: p.Ala307Thr; replaces alanine 307 with threonine.
Molecular consequence: missense variant.
Genome position (GRCh38, 1-based): chrX:154,461,423, G>A. VCF-style: chrX-154461423-G-A. GRCh37 (hg19) VCF-style: chrX-153689763-G-A.
Other names: short protein forms A307T.
Identifiers: ClinVar variation 3358263 (VCV003358263.1).

ClinVar aggregate classification (germline): Uncertain significance (0 of 4 stars; one submission).

Conditions:
PLXNA3-related disorder. Also called: PLXNA3-related condition.

gnomAD v4.1: 1 of 1,211,395 alleles (0.000083%); highest among the groups gnomAD compares: Admixed American, 0.0022%; no homozygotes.

Submission:

PreventionGenetics, part of Exact Sciences
Classification: Uncertain significance for PLXNA3-related condition. Last evaluated: 2023-10-25. Review status: no assertion criteria provided. Collection method: clinical testing. Allele origin: germline.
Comment: The PLXNA3 c.919G>A variant is predicted to result in the amino acid substitution p.Ala307Thr. To our knowledge, this variant has not been reported in the literature or in a large population database, indicating this variant is rare. At this time, the clinical significance of this variant is uncertain due to the absence of conclusive functional and genetic evidence.